The following is an entry in ClinVar:

NM_016341.4(PLCE1):c.-135G>A

Gene: PLCE1 (phospholipase C epsilon 1; plus strand). Cytogenetic location: 10q23.33.
Variant type: single nucleotide variant.
Coding change: c.-135G>A on transcript NM_016341.4 (MANE Select); 135 bases upstream of the start codon, G replaced by A.
Molecular consequence: 5 prime UTR variant.
Genome position (GRCh38, 1-based): chr10:94,030,912, G>A. VCF-style: chr10-94030912-G-A. GRCh37 (hg19) VCF-style: chr10-95790669-G-A.
Other names: c.-135G>A (NM_001288989.2).
Identifiers: ClinVar variation 301676 (VCV000301676.9), dbSNP rs10882386, ClinGen allele CA10636546.

ClinVar aggregate classification (germline): Benign. Review status: criteria provided, multiple submitters, no conflicts (2 of 4 stars). 3 submissions from 3 submitters: Benign (3). Last evaluated 2018-11-12.

Conditions:
Nephrotic syndrome, type 3 (NPHS3). Also called: NEPHROTIC SYNDROME, EARLY-ONSET, TYPE 3. Identifiers: Orphanet 656, MedGen C1853124, MONDO:0012546, OMIM 610725.

Allele frequency attached by ClinVar (database versions not stated): gnomAD exomes 0.27335; TOPMed 0.31329; gnomAD 0.31428 and 0.31538; 1000 Genomes Project 30x 0.36274; 1000 Genomes Project 0.36701.
gnomAD v4.1: 238,824 of 850,334 alleles (28%); highest among the groups gnomAD compares: East Asian, 46%; 35,913 homozygotes.

Submissions (3):

GeneDx
Classification: Benign. Last evaluated: 2018-11-12. Review status: criteria provided, single submitter. Criteria: GeneDx Variant Classification Process June 2021. Collection method: clinical testing. Allele origin: germline. Affected: yes.

Illumina Laboratory Services, Illumina
Classification: Benign for Nephrotic syndrome, type 3. Last evaluated: 2018-01-13. Review status: criteria provided, single submitter. Criteria: ICSL Variant Classification Criteria 13 December 2019. Collection method: clinical testing. Allele origin: germline.
Comment: This variant was observed in the ICSL laboratory as part of a predisposition screen in an ostensibly healthy population. It had not been previously curated by ICSL or reported in the Human Gene Mutation Database (HGMD: prior to June 1st, 2018), and was therefore a candidate for classification through an automated scoring system. Utilizing variant allele frequency, disease prevalence and penetrance estimates, and inheritance mode, an automated score was calculated to assess if this variant is too frequent to cause the disease. Based on the score and internal cut-off values, a variant classified as benign is not then subjected to further curation. The score for this variant resulted in a classification of benign for this disease.

Breakthrough Genomics
Classification: Benign. Review status: criteria provided, single submitter. Criteria: ACMG Guidelines, 2015. Collection method: not provided. Allele origin: germline. Inheritance: Autosomal recessive inheritance. Affected: yes.